The following is an entry in ClinVar:

NM_000179.3(MSH6):c.4052A>C (p.His1351Pro)

Gene: MSH6 (mutS homolog 6; plus strand). Cytogenetic location: 2p16.3.
Variant type: single nucleotide variant.
Coding change: c.4052A>C on transcript NM_000179.3 (MANE Select); coding-DNA position 4052, A replaced by C.
Protein change: p.His1351Pro; replaces histidine 1351 with proline.
Molecular consequence: missense variant. On other transcripts: non-coding transcript variant (5), 3 prime UTR variant (5).
Genome position (GRCh38, 1-based): chr2:47,806,829, A>C. VCF-style: chr2-47806829-A-C. GRCh37 (hg19) VCF-style: chr2-48033968-A-C.
Other names: c.3146A>C, p.His1049Pro (NM_001406814.1, NM_001406815.1, NM_001406816.1 and 6 more transcripts); c.2486A>C, p.His829Pro (NM_001406817.1); c.3755A>C, p.His1252Pro (NM_001406818.1, NM_001406819.1, NM_001406820.1 and 8 more transcripts); c.833A>C, p.His278Pro (NM_001406831.1); c.899A>C, p.His300Pro (NM_001406832.1); c.1997A>C, p.His666Pro (NM_001407362.1); c.*33A>C (NM_001406822.1, NM_001406801.1, NM_001406802.1 and 1 more transcripts); c.3884A>C, p.His1295Pro (NM_001406826.1); and 9 more; short protein forms H1063P, H1221P, H1252P, H300P, H829P, H1325P, H1351P, H1049P.
Identifiers: ClinVar variation 2785969 (VCV002785969.3), dbSNP rs1325140069, ClinGen allele CA346761718.

ClinVar aggregate classification (germline): Uncertain significance (1 of 4 stars; one submission).

Conditions:
Hereditary nonpolyposis colorectal neoplasms. Identifiers: MedGen C0009405, MeSH D003123.

Submission:

Labcorp Genetics (formerly Invitae), Labcorp
Classification: Uncertain significance for Hereditary nonpolyposis colorectal neoplasms. Last evaluated: 2023-01-26. Review status: criteria provided, single submitter. Criteria: Invitae Variant Classification Sherloc (09022015). Collection method: clinical testing. Allele origin: germline.
Comment: This variant has not been reported in the literature in individuals affected with MSH6-related conditions. In summary, the available evidence is currently insufficient to determine the role of this variant in disease. Therefore, it has been classified as a Variant of Uncertain Significance. Advanced modeling of protein sequence and biophysical properties (such as structural, functional, and spatial information, amino acid conservation, physicochemical variation, residue mobility, and thermodynamic stability) performed at Invitae indicates that this missense variant is not expected to disrupt MSH6 protein function. This variant is not present in population databases (gnomAD no frequency). This sequence change replaces histidine, which is basic and polar, with proline, which is neutral and non-polar, at codon 1351 of the MSH6 protein (p.His1351Pro).